The following is an entry in ClinVar:

ClinVar aggregate classification (germline): Uncertain significance (1 of 4 stars; one submission).

Submission:

Ambry Genetics
Classification: Uncertain significance. Last evaluated: 2022-10-15. Review status: criteria provided, single submitter. Criteria: Ambry Variant Classification Scheme 2023. Collection method: clinical testing. Allele origin: germline.
Comment: The p.S1373G variant (also known as c.4117A>G), located in coding exon 11 of the MLH3 gene, results from an A to G substitution at nucleotide position 4117. The serine at codon 1373 is replaced by glycine, an amino acid with similar properties. This amino acid position is conserved. In addition, the in silico prediction for this alteration is inconclusive. Since supporting evidence is limited at this time, the clinical significance of this alteration remains unclear.

NM_001040108.2(MLH3):c.4117A>G (p.Ser1373Gly)

Gene: MLH3 (mutL homolog 3; minus strand). Cytogenetic location: 14q24.3.
Variant type: single nucleotide variant.
Coding change: c.4117A>G on transcript NM_001040108.2 (MANE Select); coding-DNA position 4117, A replaced by G.
Protein change: p.Ser1373Gly; replaces serine 1373 with glycine.
Molecular consequence: missense variant.
Genome position (GRCh38, 1-based): chr14:75,018,954, T>C on the plus strand (A>G on the coding strand, the complement: MLH3 is on the minus strand). VCF-style: chr14-75018954-T-C. GRCh37 (hg19) VCF-style: chr14-75485657-T-C.
Other names: c.4045A>G, p.Ser1349Gly (NM_014381.3); short protein forms S1349G, S1373G.
Identifiers: ClinVar variation 1737963 (VCV001737963.2), dbSNP rs2139297700, ClinGen allele CA390420126.